The following is an entry in ClinVar:

NM_001330195.2(NRXN3):c.1079G>A (p.Gly360Asp)

Gene: NRXN3 (neurexin 3; plus strand). Cytogenetic location: 14q24.3.
Variant type: single nucleotide variant.
Coding change: c.1079G>A on transcript NM_001330195.2 (MANE Select); coding-DNA position 1079, G replaced by A.
Protein change: p.Gly360Asp; replaces glycine 360 with aspartic acid.
Molecular consequence: missense variant. On other transcripts: 5 prime UTR variant (1), non-coding transcript variant (4).
Genome position (GRCh38, 1-based): chr14:78,651,184, G>A. VCF-style: chr14-78651184-G-A. GRCh37 (hg19) VCF-style: chr14-79117527-G-A.
Other names: c.1079G>A, p.Gly360Asp (NM_001366425.1); c.1091G>A, p.Gly364Asp (NM_001366426.1); c.-41G>A (NM_004796.6); short protein forms G360D, G364D.
Identifiers: ClinVar variation 4885817 (VCV004885817.2).

ClinVar aggregate classification (germline): Uncertain significance (1 of 4 stars; one submission).

gnomAD v4.1: 3 of 1,613,512 alleles (0.00019%); highest among the groups gnomAD compares: South Asian, 0.0011%; no homozygotes.

Submission:

Dasa
Classification: Uncertain significance. Last evaluated: 2024-11-05. Review status: criteria provided, single submitter. Criteria: DASA Assertion Criteria. Collection method: clinical testing. Allele origin: germline.
Comment: NM_001330195.2(NRXN3):c.1079G>A (p.Gly360Asp) is a missense variant that results in the substitution of glycine with aspartic acid. This variant is rare in population databases. Computational prediction algorithms are consistent with a deleterious effect. The currently available literature and clinical evidence are not sufficient to establish a definitive association between this variant and the reported condition. Therefore, this variant is classified as a variant of uncertain significance.